The following is an entry in ClinVar:

NM_004341.5(CAD):c.413T>C (p.Leu138Pro)

Gene: CAD (carbamoyl-phosphate synthetase 2, aspartate transcarbamylase, and dihydroorotase; plus strand). Cytogenetic location: 2p23.3.
Variant type: single nucleotide variant.
Coding change: c.413T>C on transcript NM_004341.5 (MANE Select); coding-DNA position 413, T replaced by C.
Protein change: p.Leu138Pro; replaces leucine 138 with proline.
Molecular consequence: missense variant.
Genome position (GRCh38, 1-based): chr2:27,222,254, T>C. VCF-style: chr2-27222254-T-C. GRCh37 (hg19) VCF-style: chr2-27445122-T-C.
Other names: c.413T>C, p.Leu138Pro (NM_001306079.2); short protein forms L138P.
Identifiers: ClinVar variation 4085316 (VCV004085316.8).

ClinVar aggregate classification (germline): Uncertain significance (1 of 4 stars; one submission).

Submission:

CeGaT Center for Human Genetics Tuebingen
Classification: Uncertain significance. Last evaluated: 2025-06-01. Review status: criteria provided, single submitter. Criteria: CeGaT Center For Human Genetics Tuebingen Variant Classification Criteria Version 2. Collection method: clinical testing. Allele origin: germline. Affected: yes. Observed: 1 variant allele.
Comment: CAD: PM2, PP3